The following is an entry in ClinVar:

ClinVar aggregate classification (germline): Pathogenic/Likely pathogenic. Review status: criteria provided, multiple submitters, no conflicts (2 of 4 stars). 6 submissions from 6 submitters: Pathogenic (2); Likely pathogenic (3). 1 of the submissions does not count toward it. Last evaluated 2025-01-21.

Conditions:
DARS2-related disorder. Also called: DARS2-related condition.
Leukoencephalopathy with brain stem and spinal cord involvement-high lactate syndrome (LBSL). Also called: MITOCHONDRIAL ASPARTYL-tRNA SYNTHETASE DEFICIENCY; LEUKOENCEPHALOPATHY WITH BRAINSTEM AND SPINAL CORD INVOLVEMENT AND LACTATE ELEVATION, MILD; Leukoencephalopathy with Brainstem and Spinal Cord Involvement and Lactate Elevation. Identifiers: Orphanet 137898, MedGen C1970180, MONDO:0012622, OMIM 611105.

Allele frequency attached by ClinVar (database versions not stated): TOPMed 0.00001; gnomAD 0.00002; gnomAD exomes 0.00002 and 0.00003; ExAC 0.00003.

Submissions (6):

Broad Center for Mendelian Genomics, Broad Institute of MIT and Harvard
Classification: Likely pathogenic for Leukoencephalopathy with brain stem and spinal cord involvement-high lactate syndrome. Last evaluated: 2025-01-21. Review status: criteria provided, single submitter. Criteria: ACMG Guidelines, 2015. Collection method: curation. Allele origin: germline. Inheritance: Autosomal recessive inheritance.
Comment: The p.Arg263Gln variant in DARS2 has been reported in 2 individuals, with leukoencephalopathy with brain stem and spinal cord involvement-high lactate syndrome (PMID: 17384640, 23216004, Rathore et al. 2017), and has been identified in 0.007% (6/91072) of South Asian chromosomes by the Genome Aggregation Database (gnomAD; dbSNP rs121918207). Although this variant has been seen in the general population in a heterozygous state, its frequency is low enough to be consistent with a recessive carrier frequency. This variant has also been reported in ClinVar (Variation ID: 1060) and has been interpreted as pathogenic/likely pathogenic by Genetic Services Laboratory (University of Chicago), OMIM, and GeneDx, and a variant of unknown significance by Invitae. Of the 2 affected individuals, at least 1 was a compound heterozygote that carried a reported pathogenic variant in trans, which increases the likelihood that the p.Arg263Gln variant is pathogenic (Variation ID: 1057; PMID: 17384640). In vitro functional studies provide some evidence that the p.Arg263Gln variant may slightly impact protein function (PMID: 17384640, 23216004). However, these types of assays may not accurately represent biological function. Computational tools and conservation analyses suggest that this variant may impact the protein, though this information is not predictive enough to determine pathogenicity. In summary, although additional studies are required to fully establish its clinical significance, this variant is likely pathogenic for autosomal recessive leukoencephalopathy with brain stem and spinal cord involvement-high lactate syndrome. ACMG/AMP Criteria applied: PM3, PS3_supporting, PP3_moderate, PM2_supporting (Richards 2015).

Blueprint Genetics
Classification: Pathogenic for DARS2-related disorders. Last evaluated: 2024-11-06. Review status: criteria provided, single submitter. Criteria: ACMG Guidelines, 2015. Collection method: clinical testing. Allele origin: germline. Affected: yes. Observed: 1 variant allele.

Labcorp Genetics (formerly Invitae), Labcorp
Classification: Likely pathogenic. Last evaluated: 2024-03-18. Review status: criteria provided, single submitter. Criteria: Invitae Variant Classification Sherloc (09022015). Collection method: clinical testing. Allele origin: germline.
Comment: This sequence change replaces arginine, which is basic and polar, with glutamine, which is neutral and polar, at codon 263 of the DARS2 protein (p.Arg263Gln). This variant is present in population databases (rs121918207, gnomAD 0.005%). This missense change has been observed in individuals with clinical features of leukoencephalopathy (PMID: 17384640; Invitae; external communication). ClinVar contains an entry for this variant (Variation ID: 1060). Advanced modeling of protein sequence and biophysical properties (such as structural, functional, and spatial information, amino acid conservation, physicochemical variation, residue mobility, and thermodynamic stability) performed at Invitae indicates that this missense variant is expected to disrupt DARS2 protein function with a positive predictive value of 80%. Experimental studies have shown that this missense change affects DARS2 function (PMID: 17384640, 23216004). In summary, the currently available evidence indicates that the variant is pathogenic, but additional data are needed to prove that conclusively. Therefore, this variant has been classified as Likely Pathogenic.

GeneDx
Classification: Likely pathogenic. Last evaluated: 2022-04-18. Review status: criteria provided, single submitter. Criteria: GeneDx Variant Classification Process June 2021. Collection method: clinical testing. Allele origin: germline. Affected: yes.
Comment: Identified in the published literature in an individual with LBSL, however a second variant was not identified (Scheper et al., 2007); Functional analysis of recombinant mutant protein showed significantly impaired enzymatic activity compared to wildtype protein (Scheper et al., 2007); In silico analysis supports that this missense variant has a deleterious effect on protein structure/function; Not observed at significant frequency in large population cohorts (gnomAD); This variant is associated with the following publications: (PMID: 25476837, 33574740, 23216004, 26620921, 30006346, 34503567, 29305884, 17384640, Rathore2017[Abstract], 34631948)

Genetic Services Laboratory, University of Chicago
Classification: Pathogenic for Leukoencephalopathy with brain stem and spinal cord involvement and lactate elevation. Last evaluated: 2016-02-17. Review status: criteria provided, single submitter. Criteria: ACMG Guidelines, 2015. Collection method: clinical testing. Allele origin: germline. Affected: yes.

OMIM
Classification: Pathogenic for LEUKOENCEPHALOPATHY WITH BRAINSTEM AND SPINAL CORD INVOLVEMENT AND LACTATE ELEVATION. Last evaluated: 2007-04-01. Review status: no assertion criteria provided. Collection method: literature only. Allele origin: germline. Not counted in ClinVar's aggregate classification.

Literature cited by the submitters: PubMed 17384640 (cited by Labcorp Genetics (formerly Invitae), Labcorp and OMIM); PubMed 23216004 (cited by Labcorp Genetics (formerly Invitae), Labcorp).

NM_018122.5(DARS2):c.788G>A (p.Arg263Gln)

Gene: DARS2 (aspartyl-tRNA synthetase 2, mitochondrial; plus strand). Cytogenetic location: 1q25.1.
Variant type: single nucleotide variant.
Coding change: c.788G>A on transcript NM_018122.5 (MANE Select); coding-DNA position 788, G replaced by A.
Protein change: p.Arg263Gln; replaces arginine 263 with glutamine.
Molecular consequence: missense variant.
Genome position (GRCh38, 1-based): chr1:173,838,207, G>A. VCF-style: chr1-173838207-G-A. GRCh37 (hg19) VCF-style: chr1-173807345-G-A.
Other names: NM_018122.5(DARS2):c.788G>A; c.788G>A, p.Arg263Gln (NM_001365212.1, NM_001365213.2); short protein forms R263Q.
Identifiers: ClinVar variation 1060 (VCV000001060.15), dbSNP rs121918207, ClinGen allele CA251679.
Genomic context (GRCh38, chr1:173,838,207, plus strand): 5'-TTCCTAGAATCATAACTCAATTAATGCTATTTCTCAATTGTAGATATTTTCAGGTTGCCC[G>A]ATGTTATCGAGATGAAGGTTCAAGACCAGACAGACAGCCTGAGTTTACTCAGGTACAAAG-3'
Protein context (NP_060592.2, residues 253-273): GGLDRYFQVA[Arg263Gln]CYRDEGSRPD